The following is an entry in ClinVar:

NM_001793.6(CDH3):c.1730C>T (p.Ser577Phe)

Gene: CDH3 (cadherin 3; plus strand). Cytogenetic location: 16q22.1.
Variant type: single nucleotide variant.
Coding change: c.1730C>T on transcript NM_001793.6 (MANE Select); coding-DNA position 1730, C replaced by T.
Protein change: p.Ser577Phe; replaces serine 577 with phenylalanine.
Molecular consequence: missense variant.
Genome position (GRCh38, 1-based): chr16:68,687,671, C>T. VCF-style: chr16-68687671-C-T. GRCh37 (hg19) VCF-style: chr16-68721574-C-T.
Other names: c.1730C>T, p.Ser577Phe (NM_001317195.3); c.1565C>T, p.Ser522Phe (NM_001317196.2); short protein forms S522F, S577F.
Identifiers: ClinVar variation 967103 (VCV000967103.8), dbSNP rs758899885, ClinGen allele CA8129453.

ClinVar aggregate classification (germline): Uncertain significance (1 of 4 stars; one submission).

Allele frequency attached by ClinVar (database versions not stated): gnomAD exomes below 0.00001; ExAC 0.00001; TOPMed 0.00002; gnomAD 0.00003 and 0.00004.
gnomAD v4.1: 8 of 1,613,992 alleles (0.0005%); highest among the groups gnomAD compares: African/African-American, 0.0053%; no homozygotes.

Submission:

Labcorp Genetics (formerly Invitae), Labcorp
Classification: Uncertain significance. Last evaluated: 2019-11-13. Review status: criteria provided, single submitter. Criteria: Invitae Variant Classification Sherloc (09022015). Collection method: clinical testing. Allele origin: germline.
Comment: This variant has not been reported in the literature in individuals with CDH3-related conditions. This variant is present in population databases (rs758899885, ExAC 0.001%). This sequence change replaces serine with phenylalanine at codon 577 of the CDH3 protein (p.Ser577Phe). The serine residue is moderately conserved and there is a large physicochemical difference between serine and phenylalanine. Algorithms developed to predict the effect of missense changes on protein structure and function output the following: SIFT: "Tolerated"; PolyPhen-2: "Benign"; Align-GVGD: "Class C0". The phenylalanine amino acid residue is found in multiple mammalian species, suggesting that this missense change does not adversely affect protein function. These predictions have not been confirmed by published functional studies and their clinical significance is uncertain. In summary, the available evidence is currently insufficient to determine the role of this variant in disease. Therefore, it has been classified as a Variant of Uncertain Significance.